The following is an entry in ClinVar:

ClinVar aggregate classification (germline): Uncertain significance. Review status: criteria provided, multiple submitters, no conflicts (2 of 4 stars). 3 submissions from 3 submitters: Uncertain significance (3). Last evaluated 2025-09-06.

Conditions:
Autosomal dominant Parkinson disease 8. Also called: LRRK2-Related Parkinson Disease; Parkinson disease 8; Parkinson disease 8, susceptibility to. Identifiers: Orphanet 411602, MedGen C1846862, MONDO:0011764, OMIM 607060.
Inborn genetic diseases. Identifiers: MedGen C0950123, MeSH D030342.

Allele frequency attached by ClinVar (database versions not stated): gnomAD exomes below 0.00001 and 0.00001; TOPMed below 0.00001; gnomAD 0.00002.
gnomAD v4.1: 12 of 1,613,344 alleles (0.00074%); highest among the groups gnomAD compares: Non-Finnish European, 0.001%; no homozygotes.

Submissions (3):

Labcorp Genetics (formerly Invitae), Labcorp
Classification: Uncertain significance for Autosomal dominant Parkinson disease 8. Last evaluated: 2025-09-06. Review status: criteria provided, single submitter. Criteria: Invitae Variant Classification Sherloc (09022015). Collection method: clinical testing. Allele origin: germline.
Comment: This sequence change replaces histidine, which is basic and polar, with glutamine, which is neutral and polar, at codon 408 of the LRRK2 protein (p.His408Gln). This variant is present in population databases (no rsID available, gnomAD 0.002%). This variant has not been reported in the literature in individuals affected with LRRK2-related conditions. ClinVar contains an entry for this variant (Variation ID: 883550). Invitae Evidence Modeling of protein sequence and biophysical properties (such as structural, functional, and spatial information, amino acid conservation, physicochemical variation, residue mobility, and thermodynamic stability) has been performed for this missense variant. However, the output from this modeling did not meet the statistical confidence thresholds required to predict the impact of this variant on LRRK2 protein function. In summary, the available evidence is currently insufficient to determine the role of this variant in disease. Therefore, it has been classified as a Variant of Uncertain Significance.

Ambry Genetics
Classification: Uncertain significance for Inborn genetic diseases. Last evaluated: 2022-12-21. Review status: criteria provided, single submitter. Criteria: Ambry Variant Classification Scheme 2023. Collection method: clinical testing. Allele origin: germline.

Illumina Laboratory Services, Illumina
Classification: Uncertain significance for Autosomal dominant Parkinson disease 8. Last evaluated: 2018-01-12. Review status: criteria provided, single submitter. Criteria: ICSL Variant Classification Criteria 13 December 2019. Collection method: clinical testing. Allele origin: germline.

NM_198578.4(LRRK2):c.1224T>G (p.His408Gln)

Gene: LRRK2 (leucine rich repeat kinase 2; plus strand). Cytogenetic location: 12q12.
Variant type: single nucleotide variant.
Coding change: c.1224T>G on transcript NM_198578.4 (MANE Select); coding-DNA position 1224, T replaced by G.
Protein change: p.His408Gln; replaces histidine 408 with glutamine.
Molecular consequence: missense variant.
Genome position (GRCh38, 1-based): chr12:40,252,952, T>G. VCF-style: chr12-40252952-T-G. GRCh37 (hg19) VCF-style: chr12-40646754-T-G.
Other names: short protein forms H408Q.
Identifiers: ClinVar variation 883550 (VCV000883550.7), dbSNP rs1161551642, ClinGen allele CA384409364.